The following is an entry in ClinVar:

ClinVar aggregate classification (germline): Uncertain significance. Review status: criteria provided, multiple submitters, no conflicts (2 of 4 stars). 3 submissions from 3 submitters: Uncertain significance (3). Last evaluated 2025-10-29.

Conditions:
Retinoblastoma (RB1). Also called: RETINOBLASTOMA, SOMATIC. Identifiers: Orphanet 790, MedGen C0035335, MeSH D012175, MONDO:0008380, OMIM 180200, HP:0009919. Disease mechanism: loss of function. Inheritance: Both sporadic and heritable forms are tested..
Hereditary cancer-predisposing syndrome. Also called: Neoplastic Syndromes, Hereditary; Tumor predisposition; Hereditary neoplastic syndrome; Hereditary Cancer Syndrome. Identifiers: Orphanet 140162, MedGen C0027672, MeSH D009386, MONDO:0015356.

Allele frequency attached by ClinVar (database versions not stated): gnomAD exomes below 0.00001; ExAC 0.00001; gnomAD 0.00001; TOPMed 0.00001.
gnomAD v4.1: 3 of 1,610,952 alleles (0.00019%); highest among the groups gnomAD compares: Admixed American, 0.0033%; no homozygotes.

Submissions (3):

Labcorp Genetics (formerly Invitae), Labcorp
Classification: Uncertain significance for Retinoblastoma. Last evaluated: 2025-10-29. Review status: criteria provided, single submitter. Criteria: Invitae Variant Classification Sherloc (09022015). Collection method: clinical testing. Allele origin: germline.
Comment: This sequence change replaces histidine, which is basic and polar, with aspartic acid, which is acidic and polar, at codon 69 of the RB1 protein (p.His69Asp). This variant is present in population databases (rs766579526, gnomAD 0.007%). This variant has not been reported in the literature in individuals affected with RB1-related conditions. ClinVar contains an entry for this variant (Variation ID: 2726273). Invitae Evidence Modeling of protein sequence and biophysical properties (such as structural, functional, and spatial information, amino acid conservation, physicochemical variation, residue mobility, and thermodynamic stability) indicates that this missense variant is not expected to disrupt RB1 protein function with a negative predictive value of 80%. In summary, the available evidence is currently insufficient to determine the role of this variant in disease. Therefore, it has been classified as a Variant of Uncertain Significance.

Ambry Genetics
Classification: Uncertain significance for Hereditary cancer-predisposing syndrome. Last evaluated: 2024-09-17. Review status: criteria provided, single submitter. Criteria: Ambry Variant Classification Scheme 2023. Collection method: clinical testing. Allele origin: germline.
Comment: The p.H69D variant (also known as c.205C>G), located in coding exon 2 of the RB1 gene, results from a C to G substitution at nucleotide position 205. The histidine at codon 69 is replaced by aspartic acid, an amino acid with similar properties. This amino acid position is well conserved in available vertebrate species. In addition, this alteration is predicted to be tolerated by in silico analysis. Based on the available evidence, the clinical significance of this variant remains unclear.

GeneDx
Classification: Uncertain significance. Last evaluated: 2023-06-22. Review status: criteria provided, single submitter. Criteria: GeneDx Variant Classification Process June 2021. Collection method: clinical testing. Allele origin: germline. Affected: yes.
Comment: Not observed at significant frequency in large population cohorts (gnomAD); In silico analysis supports that this missense variant does not alter protein structure/function; Has not been previously published as pathogenic or benign to our knowledge; This variant is associated with the following publications: (PMID: 23516486)

NM_000321.3(RB1):c.205C>G (p.His69Asp)

Gene: RB1 (RB transcriptional corepressor 1; plus strand). Cytogenetic location: 13q14.2.
Variant type: single nucleotide variant.
Coding change: c.205C>G on transcript NM_000321.3 (MANE Select); coding-DNA position 205, C replaced by G.
Protein change: p.His69Asp; replaces histidine 69 with aspartic acid.
Molecular consequence: missense variant.
Genome position (GRCh38, 1-based): chr13:48,307,347, C>G. VCF-style: chr13-48307347-C-G. GRCh37 (hg19) VCF-style: chr13-48881483-C-G.
Other names: c.205C>G, p.His69Asp (NM_001407165.1, NM_001407166.1, NM_001407167.1); short protein forms H69D.
Identifiers: ClinVar variation 2726273 (VCV002726273.5), dbSNP rs766579526, ClinGen allele CA033856.